The following is an entry in ClinVar:

NM_005857.5(ZMPSTE24):c.319C>T (p.Arg107Trp)

Gene: ZMPSTE24 (zinc metallopeptidase STE24; plus strand). Cytogenetic location: 1p34.2.
Variant type: single nucleotide variant.
Coding change: c.319C>T on transcript NM_005857.5 (MANE Select); coding-DNA position 319, C replaced by T.
Protein change: p.Arg107Trp; replaces arginine 107 with tryptophan.
Molecular consequence: missense variant.
Genome position (GRCh38, 1-based): chr1:40,267,834, C>T. VCF-style: chr1-40267834-C-T. GRCh37 (hg19) VCF-style: chr1-40733506-C-T.
Other names: short protein forms R107W.
Identifiers: ClinVar variation 1931205 (VCV001931205.7), dbSNP rs746064452, ClinGen allele CA790958.

ClinVar aggregate classification (germline): Uncertain significance. Review status: criteria provided, multiple submitters, no conflicts (2 of 4 stars). 2 submissions from 2 submitters: Uncertain significance (2). Last evaluated 2025-08-21.

Conditions:
Inborn genetic diseases. Identifiers: MedGen C0950123, MeSH D030342.

Allele frequency attached by ClinVar (database versions not stated): ExAC 0.00002; gnomAD 0.00002; gnomAD exomes 0.00002; TOPMed 0.00003.
gnomAD v4.1: 32 of 1,613,602 alleles (0.002%); highest among the groups gnomAD compares: East Asian, 0.0022%; no homozygotes.

Submissions (2):

Labcorp Genetics (formerly Invitae), Labcorp
Classification: Uncertain significance. Last evaluated: 2025-08-21. Review status: criteria provided, single submitter. Criteria: Invitae Variant Classification Sherloc (09022015). Collection method: clinical testing. Allele origin: germline.
Comment: This sequence change replaces arginine, which is basic and polar, with tryptophan, which is neutral and slightly polar, at codon 107 of the ZMPSTE24 protein (p.Arg107Trp). This variant is present in population databases (rs746064452, gnomAD 0.01%). This variant has not been reported in the literature in individuals affected with ZMPSTE24-related conditions. ClinVar contains an entry for this variant (Variation ID: 1931205). Invitae Evidence Modeling of protein sequence and biophysical properties (such as structural, functional, and spatial information, amino acid conservation, physicochemical variation, residue mobility, and thermodynamic stability) indicates that this missense variant is not expected to disrupt ZMPSTE24 protein function with a negative predictive value of 80%. In summary, the available evidence is currently insufficient to determine the role of this variant in disease. Therefore, it has been classified as a Variant of Uncertain Significance.

Ambry Genetics
Classification: Uncertain significance for Inborn genetic diseases. Last evaluated: 2023-04-25. Review status: criteria provided, single submitter. Criteria: Ambry Variant Classification Scheme 2023. Collection method: clinical testing. Allele origin: germline.